The following is an entry in ClinVar:

NM_013275.6(ANKRD11):c.4567C>T (p.Pro1523Ser)

Gene: ANKRD11 (ankyrin repeat domain containing 11; minus strand). Cytogenetic location: 16q24.3.
Variant type: single nucleotide variant.
Coding change: c.4567C>T on transcript NM_013275.6 (MANE Select); coding-DNA position 4567, C replaced by T.
Protein change: p.Pro1523Ser; replaces proline 1523 with serine.
Molecular consequence: missense variant.
Genome position (GRCh38, 1-based): chr16:89,281,975, G>A on the plus strand (C>T on the coding strand, the complement: ANKRD11 is on the minus strand). VCF-style: chr16-89281975-G-A. GRCh37 (hg19) VCF-style: chr16-89348383-G-A.
Other names: c.4567C>T, p.Pro1523Ser (NM_001256182.2, NM_001256183.2); short protein forms P1523S.
Identifiers: ClinVar variation 1308128 (VCV001308128.2), dbSNP rs2151749160, ClinGen allele CA397157293.

ClinVar aggregate classification (germline): Uncertain significance (1 of 4 stars; one submission).

Submission:

GeneDx
Classification: Uncertain significance. Last evaluated: 2019-03-08. Review status: criteria provided, single submitter. Criteria: GeneDx Variant Classification Process June 2021. Collection method: clinical testing. Allele origin: germline. Affected: yes.
Comment: Not observed in large population cohorts (Lek et al., 2016); In silico analysis, which includes protein predictors and evolutionary conservation, supports that this variant does not alter protein structure/function; Has not been previously published as pathogenic or benign to our knowledge